The following is an entry in ClinVar:

ClinVar aggregate classification (germline): Uncertain significance (1 of 4 stars; one submission).

Conditions:
Hereditary sensory and autonomic neuropathy type 6. Also called: Neuropathy, hereditary sensory and autonomic, type VI; HSAN VI. Identifiers: Orphanet 314381, MedGen C3539003, MONDO:0013839, OMIM 614653.
Epidermolysis bullosa simplex 3, localized or generalized intermediate, with BP230 deficiency (EBS3). Also called: Epidermolysis bullosa simplex, autosomal recessive 2; Epidermolysis bullosa simplex due to BP230 deficiency. Identifiers: Orphanet 412181, MedGen C3809470, MONDO:0014180, OMIM 615425.

Allele frequency attached by ClinVar (database versions not stated): gnomAD 0.00001; gnomAD exomes 0.00001 and below 0.00001; ExAC 0.00001.
gnomAD v4.1: 3 of 1,613,618 alleles (0.00019%); highest among the groups gnomAD compares: Admixed American, 0.0033%; no homozygotes.

Submission:

Labcorp Genetics (formerly Invitae), Labcorp
Classification: Uncertain significance for Epidermolysis bullosa simplex 3, localized or generalized intermediate, with BP230 deficiency; Hereditary sensory and autonomic neuropathy type 6. Last evaluated: 2019-12-17. Review status: criteria provided, single submitter. Criteria: Invitae Variant Classification Sherloc (09022015). Collection method: clinical testing. Allele origin: germline.
Comment: This sequence change replaces histidine with arginine at codon 2080 of the DST protein (p.His2080Arg). The histidine residue is moderately conserved and there is a small physicochemical difference between histidine and arginine. The DST gene has multiple clinically relevant transcripts. The p.His2080Arg variant occurs in alternate transcript NM_015548.4, which corresponds to c.*54007A>G in NM_001723.5, the primary transcript listed in the Methods. This variant is present in population databases (rs772369999, ExAC 0.009%). This variant has not been reported in the literature in individuals with DST-related conditions. Algorithms developed to predict the effect of missense changes on protein structure and function are either unavailable or do not agree on the potential impact of this missense change (SIFT: "Tolerated"; PolyPhen-2: "Not Available"; Align-GVGD: "Class C0"). In summary, the available evidence is currently insufficient to determine the role of this variant in disease. Therefore, it has been classified as a Variant of Uncertain Significance.

NM_001374736.1(DST):c.14108A>G (p.His4703Arg)

Genes: DST (dystonin; minus strand), LOC129389544 (MPRA-validated peak5860 silencer; plus strand). Cytogenetic location: 6p12.1.
Variant type: single nucleotide variant.
Coding change: c.14108A>G on transcript NM_001374736.1 (MANE Select); coding-DNA position 14108, A replaced by G.
Protein change: p.His4703Arg; replaces histidine 4703 with arginine.
Molecular consequence: missense variant.
Genome position (GRCh38, 1-based): chr6:56,561,510, T>C on the plus strand (A>G on the coding strand, the complement: DST is on the minus strand). VCF-style: chr6-56561510-T-C. GRCh37 (hg19) VCF-style: chr6-56426308-T-C.
Other names: c.7751A>G, p.His2584Arg (NM_001144769.5); c.7337A>G, p.His2446Arg (NM_001144770.2); c.14108A>G, p.His4703Arg (NM_001374722.1); c.13475A>G, p.His4492Arg (NM_001374729.1); c.7217A>G, p.His2406Arg (NM_001374730.1, NM_183380.4); c.14135A>G, p.His4712Arg (NM_001374734.1); c.6239A>G, p.His2080Arg (NM_015548.5); short protein forms H4703R, H2584R, H2406R, H2446R, H4712R, H2080R, H4492R.
Identifiers: ClinVar variation 966505 (VCV000966505.7), dbSNP rs772369999, ClinGen allele CA3868092.